The following is an entry in ClinVar:

ClinVar aggregate classification (germline): Uncertain significance (1 of 4 stars; one submission).

Conditions:
Pyridoxine-dependent epilepsy (EPEO4). Also called: Pyridoxine-Dependent Seizures; Pyridoxine-Dependent Epilepsy - ALDH7A1; PYRIDOXINE DEPENDENCY WITH SEIZURES; EPILEPSY, EARLY-ONSET, 4, VITAMIN B6-DEPENDENT. Identifiers: Orphanet 3006, MedGen C1849508, MONDO:0009945, OMIM 266100. Disease mechanism: loss of function.

Allele frequency attached by ClinVar (database versions not stated): gnomAD exomes below 0.00001; gnomAD 0.00001.
gnomAD v4.1: 7 of 1,579,380 alleles (0.00044%); highest among the groups gnomAD compares: African/African-American, 0.0014%; no homozygotes.

Submission:

Labcorp Genetics (formerly Invitae), Labcorp
Classification: Uncertain significance for Pyridoxine-dependent epilepsy. Last evaluated: 2022-07-06. Review status: criteria provided, single submitter. Criteria: Invitae Variant Classification Sherloc (09022015). Collection method: clinical testing. Allele origin: germline.
Comment: This variant is not present in population databases (gnomAD no frequency). This sequence change replaces alanine, which is neutral and non-polar, with valine, which is neutral and non-polar, at codon 26 of the ALDH7A1 protein (p.Ala26Val). This variant has not been reported in the literature in individuals affected with ALDH7A1-related conditions. In summary, the available evidence is currently insufficient to determine the role of this variant in disease. Therefore, it has been classified as a Variant of Uncertain Significance. Advanced modeling of protein sequence and biophysical properties (such as structural, functional, and spatial information, amino acid conservation, physicochemical variation, residue mobility, and thermodynamic stability) performed at Invitae indicates that this missense variant is not expected to disrupt ALDH7A1 protein function. ClinVar contains an entry for this variant (Variation ID: 1486951).

NM_001182.5(ALDH7A1):c.77C>T (p.Ala26Val)

Gene: ALDH7A1 (aldehyde dehydrogenase 7 family member A1; minus strand). Cytogenetic location: 5q23.2.
Variant type: single nucleotide variant.
Coding change: c.77C>T on transcript NM_001182.5 (MANE Select); coding-DNA position 77, C replaced by T.
Protein change: p.Ala26Val; replaces alanine 26 with valine.
Molecular consequence: missense variant. On other transcripts: 5 prime UTR variant (1).
Genome position (GRCh38, 1-based): chr5:126,595,122, G>A on the plus strand (C>T on the coding strand, the complement: ALDH7A1 is on the minus strand). VCF-style: chr5-126595122-G-A. GRCh37 (hg19) VCF-style: chr5-125930814-G-A.
Other names: c.-8C>T (NM_001201377.2); c.77C>T, p.Ala26Val (NM_001202404.2); short protein forms A26V.
Identifiers: ClinVar variation 1486951 (VCV001486951.8), dbSNP rs1751701268, ClinGen allele CA360733892.
Genomic context (GRCh38, chr5:126,595,122, plus strand): 5'-CCCAGCTCTTTCAGCCACGCATACTGGGGCTGATTGATGAGGAGAGTGGACATGAAGGCG[G>A]CAGGCCTGCTCCAAGGTCCAGAGAGCTTGCTGGTCTTTGCAGCGTGCACACACAGCGCGC-3'
Protein context (NP_001173.2, residues 16-36): SKLSGPWSRP[Ala26Val]AFMSTLLINQ